The following is an entry in ClinVar:

ClinVar aggregate classification (germline): Uncertain significance. Review status: criteria provided, multiple submitters, no conflicts (2 of 4 stars). 6 submissions from 6 submitters: Uncertain significance (6). Last evaluated 2025-07-30.

Conditions:
Hereditary cancer-predisposing syndrome. Also called: Neoplastic Syndromes, Hereditary; Hereditary Cancer Syndrome; Tumor predisposition; Hereditary neoplastic syndrome. Identifiers: Orphanet 140162, MedGen C0027672, MeSH D009386, MONDO:0015356.
Hirschsprung disease, susceptibility to, 1 (HSCR1). Also called: RET-Related Hirschsprung Disease. Identifiers: Orphanet 388, MedGen C3888239, MONDO:0007723, OMIM 142623.
Multiple endocrine neoplasia type 2B. Also called: MEN 2B; MUCOSAL NEUROMA SYNDROME; Multiple endocrine neoplasia, type 3; MULTIPLE ENDOCRINE NEOPLASIA, TYPE IIB; Multiple Endocrine Neoplasia Type 2B (MEN2B); MEN IIB. Identifiers: Orphanet 247709, Orphanet 653, MedGen C0025269, MeSH D018814, MONDO:0008082, OMIM 162300.
Pheochromocytoma. Also called: MAX-Related Hereditary Paraganglioma-Pheochromocytoma Syndrome. Identifiers: Orphanet 29072, MedGen C0031511, MONDO:0008233, OMIM 171300, HP:0002666.
Familial medullary thyroid carcinoma (MTC). Also called: Thyroid cancer, familial medullary; MTC, familial; Familial Medullary Thyroid Carcinoma (FMTC). Identifiers: Orphanet 653, Orphanet 99361, MedGen C1833921, MONDO:0007958, OMIM 155240.
Multiple endocrine neoplasia type 2A. Also called: MULTIPLE ENDOCRINE NEOPLASIA, TYPE IIA; PTC SYNDROME; SIPPLE SYNDROME; MEN 2A; MEN-2A syndrome; Pheochromocytoma and amyloid producing medullary thyroid carcinoma. Identifiers: Orphanet 247698, Orphanet 653, MedGen C0025268, MeSH D018813, MONDO:0008234, OMIM 171400.
Multiple endocrine neoplasia, type 2 (MEN2). Identifiers: Orphanet 653, MedGen C4048306, MONDO:0019003. Disease mechanism: gain of function.

Allele frequency attached by ClinVar (database versions not stated): gnomAD exomes below 0.00001; ExAC 0.00001.

Submissions (6):

Labcorp Genetics (formerly Invitae), Labcorp
Classification: Uncertain significance for Multiple endocrine neoplasia, type 2. Last evaluated: 2025-07-30. Review status: criteria provided, single submitter. Criteria: Invitae Variant Classification Sherloc (09022015). Collection method: clinical testing. Allele origin: germline.
Comment: This sequence change replaces isoleucine, which is neutral and non-polar, with threonine, which is neutral and polar, at codon 1057 of the RET protein (p.Ile1057Thr). This variant is present in population databases (rs758877145, gnomAD 0.0009%). This variant has not been reported in the literature in individuals affected with RET-related conditions. ClinVar contains an entry for this variant (Variation ID: 664228). An algorithm developed to predict the effect of missense changes on protein structure and function (PolyPhen-2) suggests that this variant is likely to be disruptive. In summary, the available evidence is currently insufficient to determine the role of this variant in disease. Therefore, it has been classified as a Variant of Uncertain Significance.

Ambry Genetics
Classification: Uncertain significance for Hereditary cancer-predisposing syndrome. Last evaluated: 2025-07-22. Review status: criteria provided, single submitter. Criteria: Ambry Variant Classification Scheme 2023. Collection method: clinical testing. Allele origin: germline.
Comment: The p.I1057T variant (also known as c.3170T>C), located in coding exon 19 of the RET gene, results from a T to C substitution at nucleotide position 3170. The isoleucine at codon 1057 is replaced by threonine, an amino acid with similar properties. This amino acid position is highly conserved in available vertebrate species. In addition, this alteration is predicted to be deleterious by in silico analysis. Since supporting evidence is limited at this time, the clinical significance of this alteration remains unclear.

Center for Genomic Medicine, Rigshospitalet, Copenhagen University Hospital
Classification: Uncertain significance. Last evaluated: 2025-03-04. Review status: criteria provided, single submitter. Criteria: ACMG Guidelines, 2015. Collection method: clinical testing. Allele origin: germline.

Cambridge Genomics Laboratory, East Genomic Laboratory Hub, NHS Genomic Medicine Service
Classification: Uncertain significance for Multiple endocrine neoplasia type 2. Last evaluated: 2025-01-16. Review status: criteria provided, single submitter. Criteria: ACGS Best Practice Guidelines for Variant Classification in Rare Disease 2020. Collection method: clinical testing. Allele origin: germline. Affected: yes.
Comment: PM2,PP3

All of Us Research Program, National Institutes of Health
Classification: Uncertain significance for Multiple endocrine neoplasia, type 2. Last evaluated: 2024-08-06. Review status: criteria provided, single submitter. Criteria: ACMG Guidelines, 2015. Collection method: clinical testing. Allele origin: germline. Inheritance: Autosomal dominant inheritance. Observed: 2 variant alleles, 2 heterozygotes.
Comment: This study involves interpretation of variants in research participants for the purpose of population health screening. Participant phenotype was not available at the time of variant classification. Additional details can be found in publication PMID: 35346344, PMCID: PMC8962531

Fulgent Genetics
Classification: Uncertain significance for Hirschsprung disease, susceptibility to, 1; Familial medullary thyroid carcinoma; Multiple endocrine neoplasia type 2B; Pheochromocytoma; Multiple endocrine neoplasia type 2A. Last evaluated: 2024-01-08. Review status: criteria provided, single submitter. Criteria: ACMG Guidelines, 2015. Collection method: clinical testing. Allele origin: germline.

NM_020975.6(RET):c.3170T>C (p.Ile1057Thr)

Gene: RET (ret proto-oncogene; plus strand). Cytogenetic location: 10q11.21.
Variant type: single nucleotide variant.
Coding change: c.3170T>C on transcript NM_020975.6 (MANE Select); coding-DNA position 3170, T replaced by C.
Protein change: p.Ile1057Thr; replaces isoleucine 1057 with threonine.
Molecular consequence: missense variant.
Genome position (GRCh38, 1-based): chr10:43,126,705, T>C. VCF-style: chr10-43126705-T-C. GRCh37 (hg19) VCF-style: chr10-43622153-T-C.
Other names: c.2732T>C, p.Ile911Thr (NM_001406771.1, NM_001406773.1); c.2774T>C, p.Ile925Thr (NM_001406772.1, NM_001406769.1); c.2645T>C, p.Ile882Thr (NM_001406774.1); c.2444T>C, p.Ile815Thr (NM_001406775.1, NM_001406776.1, NM_001406778.1); c.2273T>C, p.Ile758Thr (NM_001406779.1, NM_001406780.1, NM_001406781.1 and 1 more transcripts); c.1865T>C, p.Ile622Thr (NM_001406791.1); c.1721T>C, p.Ile574Thr (NM_001406792.1, NM_001406794.1); c.3170T>C, p.Ile1057Thr (NM_020629.2, NM_020630.7, NM_000323.2 and 2 more transcripts); and 10 more; short protein forms I1057T, I803T, I622T, I758T, I925T, I1014T, I574T, I662T.
Identifiers: ClinVar variation 664228 (VCV000664228.18), dbSNP rs758877145, ClinGen allele CA042895.